The following is an entry in ClinVar:

ClinVar aggregate classification (germline): Pathogenic/Likely pathogenic. Review status: criteria provided, multiple submitters, no conflicts (2 of 4 stars). 2 submissions from 2 submitters: Pathogenic (1); Likely pathogenic (1). Last evaluated 2024-03-02.

Conditions:
Mucopolysaccharidosis, MPS-III-A (MPS3A). Also called: HEPARAN SULFATE SULFATASE DEFICIENCY; SANFILIPPO SYNDROME A; SULFAMIDASE DEFICIENCY; MPS III A; MPS IIIA (Sanfilippo Syndrome Type A); Mucopolysaccharidosis type IIIA (Sanfilippo A). Identifiers: Orphanet 581, Orphanet 79269, MedGen C0086647, MONDO:0009655, OMIM 252900.

Submissions (2):

Labcorp Genetics (formerly Invitae), Labcorp
Classification: Pathogenic for Mucopolysaccharidosis, MPS-III-A. Last evaluated: 2024-03-02. Review status: criteria provided, single submitter. Criteria: Invitae Variant Classification Sherloc (09022015). Collection method: clinical testing. Allele origin: germline.
Comment: This sequence change creates a premature translational stop signal (p.Ser364Thrfs*45) in the SGSH gene. While this is not anticipated to result in nonsense mediated decay, it is expected to disrupt the last 139 amino acid(s) of the SGSH protein. This variant is present in population databases (no rsID available, gnomAD 0.0009%). This variant has not been reported in the literature in individuals affected with SGSH-related conditions. ClinVar contains an entry for this variant (Variation ID: 1450886). This variant disrupts a region of the SGSH protein in which other variant(s) (p.Val379Cysfs*34) have been determined to be pathogenic (PMID: 9285796, 15146460, 24875751). This suggests that this is a clinically significant region of the protein, and that variants that disrupt it are likely to be disease-causing. For these reasons, this variant has been classified as Pathogenic.

Baylor Genetics
Classification: Likely pathogenic for Mucopolysaccharidosis, MPS-III-A. Last evaluated: 2022-09-08. Review status: criteria provided, single submitter. Criteria: ACMG Guidelines, 2015. Collection method: clinical testing. Allele origin: unknown.

Literature cited by the submitters: PubMed 9285796 (cited by Labcorp Genetics (formerly Invitae), Labcorp); PubMed 15146460 (cited by Labcorp Genetics (formerly Invitae), Labcorp); PubMed 24875751 (cited by Labcorp Genetics (formerly Invitae), Labcorp).

NM_000199.5(SGSH):c.1091_1103del (p.Ser364fs)

Gene: SGSH (N-sulfoglucosamine sulfohydrolase; minus strand). Cytogenetic location: 17q25.3.
Variant type: Deletion.
Coding change: c.1091_1103del on transcript NM_000199.5 (MANE Select); coding-DNA positions 1091 to 1103, 13 bases deleted (GCCAGAGCCACCA).
Protein change: p.Ser364fs; shifts the reading frame from serine 364.
Molecular consequence: frameshift variant. On other transcripts: 3 prime UTR variant (2), non-coding transcript variant (1).
Genome position (GRCh38, 1-based): chr17:80,210,858-80,210,870, TGGTGGCTCTGGC deleted on the plus strand (GCCAGAGCCACCA on the coding strand, the reverse complement: SGSH is on the minus strand); deleting any 13 consecutive bases within chr17:80,210,858-80,210,872 gives the same sequence; the c. name uses the placement nearest the transcript's 3' end. VCF-style (leftmost placement, unchanged base first): chr17-80210857-GTGGTGGCTCTGGC-G. GRCh37 (hg19) VCF-style: chr17-78184656-GTGGTGGCTCTGGC-G.
Other names: c.*178_*190del (NM_001352921.3); c.*141_*153del (NM_001352922.2); short protein forms S364fs.
Identifiers: ClinVar variation 1450886 (VCV001450886.9), dbSNP rs1567915763, ClinGen allele CA628018995.